The following is an entry in ClinVar:

NM_000179.3(MSH6):c.3221T>C (p.Met1074Thr)

Gene: MSH6 (mutS homolog 6; plus strand). Cytogenetic location: 2p16.3.
Variant type: single nucleotide variant.
Coding change: c.3221T>C on transcript NM_000179.3 (MANE Select); coding-DNA position 3221, T replaced by C.
Protein change: p.Met1074Thr; replaces methionine 1074 with threonine.
Molecular consequence: missense variant.
Genome position (GRCh38, 1-based): chr2:47,803,468, T>C. VCF-style: chr2-47803468-T-C. GRCh37 (hg19) VCF-style: chr2-48030607-T-C.
Other names: c.2831T>C, p.Met944Thr (NM_001281492.2); c.2315T>C, p.Met772Thr (NM_001281493.2, NM_001281494.2); short protein forms M1074T, M772T, M944T.
Identifiers: ClinVar variation 410490 (VCV000410490.16), dbSNP rs1060502927, ClinGen allele CA16611034.

ClinVar aggregate classification (germline): Conflicting classifications of pathogenicity. Review status: criteria provided, conflicting classifications (1 of 4 stars). 3 submissions from 3 submitters: Uncertain significance (2); Likely benign (1). Last evaluated 2025-01-09.

Conditions:
Hereditary cancer-predisposing syndrome. Also called: Tumor predisposition; Hereditary Cancer Syndrome; Hereditary neoplastic syndrome; Neoplastic Syndromes, Hereditary. Identifiers: Orphanet 140162, MedGen C0027672, MeSH D009386, MONDO:0015356.
Hereditary nonpolyposis colorectal neoplasms. Identifiers: MedGen C0009405, MeSH D003123.

Allele frequency attached by ClinVar (database versions not stated): gnomAD exomes below 0.00001; gnomAD 0.00001; TOPMed 0.00001.

Submissions (3):

Ambry Genetics
Classification: Uncertain significance for Hereditary cancer-predisposing syndrome. Last evaluated: 2025-01-09. Review status: criteria provided, single submitter. Criteria: Ambry Variant Classification Scheme 2023. Collection method: clinical testing. Allele origin: germline.
Comment: The p.M1074T variant (also known as c.3221T>C), located in coding exon 5 of the MSH6 gene, results from a T to C substitution at nucleotide position 3221. The methionine at codon 1074 is replaced by threonine, an amino acid with similar properties. This amino acid position is well conserved in available vertebrate species. In addition, the in silico prediction for this alteration is inconclusive. Since supporting evidence is limited at this time, the clinical significance of this alteration remains unclear.

Labcorp Genetics (formerly Invitae), Labcorp
Classification: Likely benign for Hereditary nonpolyposis colorectal neoplasms. Last evaluated: 2024-10-21. Review status: criteria provided, single submitter. Criteria: Invitae Variant Classification Sherloc (09022015). Collection method: clinical testing. Allele origin: germline.

Color Diagnostics, LLC DBA Color Health
Classification: Uncertain significance for Hereditary cancer-predisposing syndrome. Last evaluated: 2023-12-05. Review status: criteria provided, single submitter. Criteria: ACMG Guidelines, 2015. Collection method: clinical testing. Allele origin: germline.
Comment: This missense variant replaces methionine with threonine at codon 1074 of the MSH6 protein. Computational prediction is inconclusive regarding the impact of this variant on protein structure and function (internally defined REVEL score threshold 0.5 < inconclusive < 0.7, PMID: 27666373). To our knowledge, functional studies have not been reported for this variant. This variant has not been reported in individuals affected with MSH6-related disorders in the literature. This variant has been identified in 1/31404 chromosomes in the general population by the Genome Aggregation Database (gnomAD). The available evidence is insufficient to determine the role of this variant in disease conclusively. Therefore, this variant is classified as a Variant of Uncertain Significance.